The following is an entry in ClinVar:

NM_001005361.3(DNM2):c.2246C>A (p.Pro749His)

Gene: DNM2 (dynamin 2; plus strand). Cytogenetic location: 19p13.2.
Variant type: single nucleotide variant.
Coding change: c.2246C>A on transcript NM_001005361.3 (MANE Select); coding-DNA position 2246, C replaced by A.
Protein change: p.Pro749His; replaces proline 749 with histidine.
Molecular consequence: missense variant.
Genome position (GRCh38, 1-based): chr19:10,829,223, C>A. VCF-style: chr19-10829223-C-A. GRCh37 (hg19) VCF-style: chr19-10939899-C-A.
Other names: c.2246C>A, p.Pro749His (NM_001005360.3, NM_001190716.2); c.2234C>A, p.Pro745His (NM_001005362.3, NM_004945.4); short protein forms P749H, P745H.
Identifiers: ClinVar variation 804755 (VCV000804755.4), dbSNP rs765111629, ClinGen allele CA9201555.

ClinVar aggregate classification (germline): Uncertain significance. Review status: criteria provided, multiple submitters, no conflicts (2 of 4 stars). 2 submissions from 2 submitters: Uncertain significance (2). Last evaluated 2023-12-30.

Conditions:
Charcot-Marie-Tooth disease dominant intermediate B (CMTDIB). Also called: Charcot-Marie-Tooth disease dominant intermediate 1; CMT DI1; Charcot-Marie-Tooth disease dominant intermediate I; CHARCOT-MARIE-TOOTH NEUROPATHY, DOMINANT INTERMEDIATE B. Identifiers: Orphanet 100044, Orphanet 228179, MedGen C1847902, MONDO:0011674, OMIM 606482.

Allele frequency attached by ClinVar (database versions not stated): gnomAD exomes below 0.00001; TOPMed below 0.00001; ExAC 0.00001.

Submissions (2):

Labcorp Genetics (formerly Invitae), Labcorp
Classification: Uncertain significance for Charcot-Marie-Tooth disease dominant intermediate B. Last evaluated: 2023-12-30. Review status: criteria provided, single submitter. Criteria: Invitae Variant Classification Sherloc (09022015). Collection method: clinical testing. Allele origin: germline.
Comment: This sequence change replaces proline, which is neutral and non-polar, with histidine, which is basic and polar, at codon 749 of the DNM2 protein (p.Pro749His). This variant is present in population databases (rs765111629, gnomAD 0.003%). This variant has not been reported in the literature in individuals affected with DNM2-related conditions. ClinVar contains an entry for this variant (Variation ID: 804755). Advanced modeling of protein sequence and biophysical properties (such as structural, functional, and spatial information, amino acid conservation, physicochemical variation, residue mobility, and thermodynamic stability) has been performed at Invitae for this missense variant, however the output from this modeling did not meet the statistical confidence thresholds required to predict the impact of this variant on DNM2 protein function. In summary, the available evidence is currently insufficient to determine the role of this variant in disease. Therefore, it has been classified as a Variant of Uncertain Significance.

Athena Diagnostics
Classification: Uncertain significance. Last evaluated: 2019-01-03. Review status: criteria provided, single submitter. Criteria: Athena Diagnostics Criteria. Collection method: clinical testing. Allele origin: germline.